The following is an entry in ClinVar:

NM_022455.5(NSD1):c.6412T>A (p.Cys2138Ser)

Gene: NSD1 (nuclear receptor binding SET domain protein 1; plus strand). Cytogenetic location: 5q35.3.
Variant type: single nucleotide variant.
Coding change: c.6412T>A on transcript NM_022455.5 (MANE Select); coding-DNA position 6412, T replaced by A.
Protein change: p.Cys2138Ser; replaces cysteine 2138 with serine.
Molecular consequence: missense variant.
Genome position (GRCh38, 1-based): chr5:177,292,107, T>A. VCF-style: chr5-177292107-T-A. GRCh37 (hg19) VCF-style: chr5-176719108-T-A.
Other names: c.5539T>A, p.Cys1847Ser (NM_001365684.2, NM_001409308.1, NM_172349.5); c.6412T>A, p.Cys2138Ser (NM_001409301.1, NM_001409302.1, NM_001409303.1); c.5992T>A, p.Cys1998Ser (NM_001409304.1); c.5659T>A, p.Cys1887Ser (NM_001409305.1); c.5650T>A, p.Cys1884Ser (NM_001409306.1, NM_001409307.1); c.5290T>A, p.Cys1764Ser (NM_001409309.1); short protein forms C1869S, C1887S, C1998S, C2138S, C1884S, C1764S, C1847S.
Identifiers: ClinVar variation 2004373 (VCV002004373.4), dbSNP rs1064795734, ClinGen allele CA362320886.

ClinVar aggregate classification (germline): Pathogenic (1 of 4 stars; one submission).

Submission:

Labcorp Genetics (formerly Invitae), Labcorp
Classification: Pathogenic. Last evaluated: 2022-07-05. Review status: criteria provided, single submitter. Criteria: Invitae Variant Classification Sherloc (09022015). Collection method: clinical testing. Allele origin: germline.
Comment: For these reasons, this variant has been classified as Pathogenic. This variant disrupts the p.Cys2138 amino acid residue in NSD1. Other variant(s) that disrupt this residue have been observed in individuals with NSD1-related conditions (PMID: 26690673), which suggests that this may be a clinically significant amino acid residue. Advanced modeling of protein sequence and biophysical properties (such as structural, functional, and spatial information, amino acid conservation, physicochemical variation, residue mobility, and thermodynamic stability) performed at Invitae indicates that this missense variant is expected to disrupt NSD1 protein function. This missense change has been observed in individual(s) with NSD1-related conditions (Invitae). In at least one individual the variant was observed to be de novo. This variant is not present in population databases (gnomAD no frequency). This sequence change replaces cysteine, which is neutral and slightly polar, with serine, which is neutral and polar, at codon 2138 of the NSD1 protein (p.Cys2138Ser).

Literature cited by the submitters: PubMed 26690673.